The following is an entry in ClinVar:

ClinVar aggregate classification (germline): Uncertain significance. Review status: criteria provided, multiple submitters, no conflicts (2 of 4 stars). 4 submissions from 4 submitters: Uncertain significance (4). Last evaluated 2026-08-05.

Conditions:
PRX-related disorder. Also called: PRX-related condition; PRX-Related Disorders.
Charcot-Marie-Tooth disease. Also called: Charcot-Marie-Tooth Neuropathy; Charcot-Marie-Tooth Hereditary Neuropathy. Identifiers: Orphanet 166, MedGen C0007959, MONDO:0015626.
Inborn genetic diseases. Identifiers: MedGen C0950123, MeSH D030342.
Charcot-Marie-Tooth disease type 4. Also called: Charcot-Marie-Tooth disease, type IV; Charcot-Marie-Tooth, Type 4. Identifiers: Orphanet 64749, MedGen C4082197, MONDO:0018995.

Allele frequency attached by ClinVar (database versions not stated): gnomAD exomes 0.00011 and 0.00005; gnomAD 0.00002 and 0.00003; ExAC 0.00003; TOPMed 0.00004.
gnomAD v4.1: 165 of 1,613,496 alleles (0.01%); highest among the groups gnomAD compares: Non-Finnish European, 0.014%; no homozygotes.

Submissions (4):

PreventionGenetics, part of Exact Sciences
Classification: Uncertain significance for PRX-related condition. Last evaluated: 2026-08-05. Review status: criteria provided, single submitter. Criteria: ACMG Guidelines, 2015. Collection method: clinical testing. Allele origin: germline.
Comment: The PRX c.2999C>T variant is predicted to result in the amino acid substitution p.Ala1000Val. This variant was reported as a variant of uncertain significance in an individual from a large cohort study of Charcot-Marie-Tooth disease; however, additional evidence was not provided (Supp. Table 2, Volodarsky et al. 2021. PubMed ID: 32376792). This variant is reported in 0.011% of alleles in individuals of European (Non-Finnish) descent in gnomAD. At this time, the clinical significance of this variant is uncertain due to the absence of conclusive functional and genetic evidence.

Labcorp Genetics (formerly Invitae), Labcorp
Classification: Uncertain significance for Charcot-Marie-Tooth disease type 4. Last evaluated: 2023-08-10. Review status: criteria provided, single submitter. Criteria: Invitae Variant Classification Sherloc (09022015). Collection method: clinical testing. Allele origin: germline.
Comment: ClinVar contains an entry for this variant (Variation ID: 476962). This missense change has been observed in individual(s) with Charcot-Marie-Tooth disease (PMID: 26392352, 32376792). This variant is present in population databases (rs765924621, gnomAD 0.01%). This sequence change replaces alanine, which is neutral and non-polar, with valine, which is neutral and non-polar, at codon 1000 of the PRX protein (p.Ala1000Val). Advanced modeling of protein sequence and biophysical properties (such as structural, functional, and spatial information, amino acid conservation, physicochemical variation, residue mobility, and thermodynamic stability) performed at Invitae indicates that this missense variant is not expected to disrupt PRX protein function. In summary, the available evidence is currently insufficient to determine the role of this variant in disease. Therefore, it has been classified as a Variant of Uncertain Significance.

Ambry Genetics
Classification: Uncertain significance for Inborn genetic diseases. Last evaluated: 2021-06-08. Review status: criteria provided, single submitter. Criteria: Ambry Variant Classification Scheme 2023. Collection method: clinical testing. Allele origin: germline.
Comment: The p.A1000V variant (also known as c.2999C>T), located in coding exon 4 of the PRX gene, results from a C to T substitution at nucleotide position 2999. The alanine at codon 1000 is replaced by valine, an amino acid with similar properties. This variant was detected in an individual with Charcot-Marie-Tooth disease type 2; however, clinical details were limited (Antoniadi T et al. BMC Med Genet, 2015 Sep;16:84). This amino acid position is not well conserved in available vertebrate species, and valine is the reference amino acid in other vertebrate species. In addition, this alteration is predicted to be tolerated by in silico analysis. Since supporting evidence is limited at this time, the clinical significance of this alteration remains unclear.

Molecular Genetics Laboratory, London Health Sciences Centre
Classification: Uncertain significance for Charcot-Marie-Tooth disease. Review status: criteria provided, single submitter. Criteria: ACMG Guidelines, 2015. Collection method: clinical testing. Allele origin: germline. Affected: yes.

Literature cited by the submitters: PubMed 26392352 (cited by Labcorp Genetics (formerly Invitae), Labcorp and Ambry Genetics); PubMed 32376792 (cited by Labcorp Genetics (formerly Invitae), Labcorp).

NM_181882.3(PRX):c.2999C>T (p.Ala1000Val)

Gene: PRX (periaxin; minus strand). Cytogenetic location: 19q13.2.
Variant type: single nucleotide variant.
Coding change: c.2999C>T on transcript NM_181882.3 (MANE Select); coding-DNA position 2999, C replaced by T.
Protein change: p.Ala1000Val; replaces alanine 1000 with valine.
Molecular consequence: missense variant. On other transcripts: 3 prime UTR variant (1).
Genome position (GRCh38, 1-based): chr19:40,395,353, G>A on the plus strand (C>T on the coding strand, the complement: PRX is on the minus strand). VCF-style: chr19-40395353-G-A. GRCh37 (hg19) VCF-style: chr19-40901260-G-A.
Other names: c.*3204C>T (NM_020956.2); short protein forms A1000V.
Identifiers: ClinVar variation 476962 (VCV000476962.11), dbSNP rs765924621, ClinGen allele CA9443936.
Genomic context (GRCh38, chr19:40,395,353, plus strand): 5'-CTGGGCCCCTTGAACTTGAGGTCGGCCCCTGCCACCTCTACCTTGCCTGAGGGCAGGTGG[G>A]CATCCAGGCTGAGCTGTGGGATGGACAGATCGAGGGCAGGCAGCAGGCCTGCCTCCCCAG-3'
Protein context (NP_870998.2, residues 990-1010): DLSIPQLSLD[Ala1000Val]HLPSGKVEVA